The following is an entry in ClinVar:

ClinVar aggregate classification (germline): Uncertain significance. Review status: criteria provided, multiple submitters, no conflicts (2 of 4 stars). 2 submissions from 2 submitters: Uncertain significance (2). Last evaluated 2023-10-10.

Conditions:
Inborn genetic diseases. Identifiers: MedGen C0950123, MeSH D030342.

Allele frequency attached by ClinVar (database versions not stated): gnomAD exomes below 0.00001; gnomAD 0.00001; TOPMed 0.00001; ExAC 0.00002.
gnomAD v4.1: 3 of 1,614,008 alleles (0.00019%); highest among the groups gnomAD compares: East Asian, 0.0067%; no homozygotes.

Submissions (2):

Ambry Genetics
Classification: Uncertain significance for Inborn genetic diseases. Last evaluated: 2023-10-10. Review status: criteria provided, single submitter. Criteria: Ambry Variant Classification Scheme 2023. Collection method: clinical testing. Allele origin: germline.

Labcorp Genetics (formerly Invitae), Labcorp
Classification: Uncertain significance. Last evaluated: 2022-04-26. Review status: criteria provided, single submitter. Criteria: Invitae Variant Classification Sherloc (09022015). Collection method: clinical testing. Allele origin: germline.
Comment: This sequence change replaces glutamic acid, which is acidic and polar, with aspartic acid, which is acidic and polar, at codon 24 of the HPS1 protein (p.Glu24Asp). This variant is present in population databases (rs781728753, gnomAD 0.04%). This variant has not been reported in the literature in individuals affected with HPS1-related conditions. Algorithms developed to predict the effect of missense changes on protein structure and function output the following: SIFT: "Tolerated"; PolyPhen-2: "Benign"; Align-GVGD: "Class C0". The aspartic acid amino acid residue is found in multiple mammalian species, which suggests that this missense change does not adversely affect protein function. In summary, the available evidence is currently insufficient to determine the role of this variant in disease. Therefore, it has been classified as a Variant of Uncertain Significance.

NM_000195.5(HPS1):c.72G>C (p.Glu24Asp)

Gene: HPS1 (HPS1 biogenesis of lysosomal organelles complex 3 subunit 1; minus strand). Cytogenetic location: 10q24.2.
Variant type: single nucleotide variant.
Coding change: c.72G>C on transcript NM_000195.5 (MANE Select); coding-DNA position 72, G replaced by C.
Protein change: p.Glu24Asp; replaces glutamic acid 24 with aspartic acid.
Molecular consequence: missense variant. On other transcripts: 5 prime UTR variant (6).
Genome position (GRCh38, 1-based): chr10:98,443,169, C>G on the plus strand (G>C on the coding strand, the complement: HPS1 is on the minus strand). VCF-style: chr10-98443169-C-G. GRCh37 (hg19) VCF-style: chr10-100202926-C-G.
Other names: c.-845G>C (NM_001311345.2); c.72G>C, p.Glu24Asp (NM_001322476.2, NM_001322477.2, NM_001322478.2 and 8 more transcripts); c.-155G>C (NM_001322483.2, NM_001322484.2, NM_001322485.2); c.-944G>C (NM_001322487.2); c.-702G>C (NM_001322489.2); c.72G>C (NM_000195.3); short protein forms E24D.
Identifiers: ClinVar variation 1979801 (VCV001979801.2), dbSNP rs781728753, ClinGen allele CA5639521.